The following is an entry in ClinVar:

NM_002691.4(POLD1):c.2250+17C>T

Gene: POLD1 (DNA polymerase delta 1, catalytic subunit; plus strand). Cytogenetic location: 19q13.33.
Variant type: single nucleotide variant.
Coding change: c.2250+17C>T on transcript NM_002691.4 (MANE Select); 17 bases into the intron after coding-DNA position 2250, C replaced by T.
Molecular consequence: intron variant.
Genome position (GRCh38, 1-based): chr19:50,413,538, C>T. VCF-style: chr19-50413538-C-T. GRCh37 (hg19) VCF-style: chr19-50916795-C-T.
Other names: c.2328+17C>T (LRG_785t2, NM_001308632.1); c.2250+17C>T (LRG_785t1, NM_001256849.1).
Identifiers: ClinVar variation 385520 (VCV000385520.10), dbSNP rs776587105, ClinGen allele CA9596452.
Genomic context (GRCh38, chr19:50,413,538, plus strand): 5'-AGTCTAAGTACACAGTGGAGAATGGCTACAGCACCAGTGCCAAGGTCGGGGGCTGCCCAC[C>T]GCTGCCCTGAGATGGGCCCAGGGCAGGTGGGGGGATGGAAGCCGGGCCGGACCCCCATGT-3'

ClinVar aggregate classification (germline): Likely benign. Review status: criteria provided, multiple submitters, no conflicts (2 of 4 stars). 4 submissions from 4 submitters: Likely benign (4). Last evaluated 2026-01-13.

Conditions:
POLD1-related polyposis and colorectal cancer syndrome (CRCS10). Also called: Colorectal cancer, susceptibility to, 10; Colorectal cancer 10; COLORECTAL CANCER, SUSCEPTIBILITY TO, ON CHROMOSOME 19q. Identifiers: Orphanet 220460, MedGen C2675481, MONDO:0012953, OMIM 612591.

Allele frequency attached by ClinVar (database versions not stated): gnomAD 0.00001 and 0.00002; TOPMed 0.00001; gnomAD exomes 0.00003; ExAC 0.00005.
gnomAD v4.1: 48 of 1,591,786 alleles (0.003%); highest among the groups gnomAD compares: Middle Eastern, 0.016%; no homozygotes.

Submissions (4):

Labcorp Genetics (formerly Invitae), Labcorp
Classification: Likely benign for POLD1-related polyposis and colorectal cancer syndrome. Last evaluated: 2026-01-13. Review status: criteria provided, single submitter. Criteria: Invitae Variant Classification Sherloc (09022015). Collection method: clinical testing. Allele origin: germline.

Center for Genomic Medicine, Rigshospitalet, Copenhagen University Hospital
Classification: Likely benign. Last evaluated: 2025-12-29. Review status: criteria provided, single submitter. Criteria: ACMG Guidelines, 2015. Collection method: clinical testing. Allele origin: germline.

Blueprint Genetics
Classification: Likely benign. Last evaluated: 2019-10-09. Review status: criteria provided, single submitter. Criteria: ACMG Guidelines, 2015. Collection method: clinical testing. Allele origin: germline.

GeneDx
Classification: Likely benign. Last evaluated: 2016-04-13. Review status: criteria provided, single submitter. Criteria: GeneDx Variant Classification (06012015). Collection method: clinical testing. Allele origin: germline. Affected: yes.
Comment: This variant is considered likely benign or benign based on one or more of the following criteria: it is a conservative change, it occurs at a poorly conserved position in the protein, it is predicted to be benign by multiple in silico algorithms, and/or has population frequency not consistent with disease.